The following is an entry in ClinVar:

NM_006059.4(LAMC3):c.2339dup (p.Gln781fs)

Gene: LAMC3 (laminin subunit gamma 3; plus strand). Cytogenetic location: 9q34.12.
Variant type: Duplication.
Coding change: c.2339dup on transcript NM_006059.4 (MANE Select); coding-DNA position 2339, one base duplicated (G; older notation c.2339dupG).
Protein change: p.Gln781fs; shifts the reading frame from glutamine 781.
Molecular consequence: frameshift variant.
Genome position (GRCh38, 1-based): chr9:131,061,215, G duplicated; the last of 3 consecutive G bases (chr9:131,061,213-131,061,215); duplicating any one gives the same sequence. VCF-style (leftmost placement, unchanged base first): chr9-131061212-C-CG. GRCh37 (hg19) VCF-style: chr9-133936599-C-CG.
Other names: short protein forms Q781fs.
Identifiers: ClinVar variation 2128555 (VCV002128555.4), dbSNP rs2538293436, ClinGen allele CA2580079848.

ClinVar aggregate classification (germline): Pathogenic (1 of 4 stars; one submission).

Submission:

Labcorp Genetics (formerly Invitae), Labcorp
Classification: Pathogenic. Last evaluated: 2022-10-25. Review status: criteria provided, single submitter. Criteria: Invitae Variant Classification Sherloc (09022015). Collection method: clinical testing. Allele origin: germline.
Comment: This sequence change creates a premature translational stop signal (p.Gln781Profs*7) in the LAMC3 gene. It is expected to result in an absent or disrupted protein product. Loss-of-function variants in LAMC3 are known to be pathogenic (PMID: 21572413, 26802095). This variant is not present in population databases (gnomAD no frequency). This variant has not been reported in the literature in individuals affected with LAMC3-related conditions. For these reasons, this variant has been classified as Pathogenic.

Literature cited by the submitters: PubMed 21572413; PubMed 26802095.